The following is an entry in ClinVar:

ClinVar aggregate classification (germline): Conflicting classifications of pathogenicity. Review status: criteria provided, conflicting classifications (1 of 4 stars). 2 submissions from 2 submitters: Uncertain significance (1); Likely benign (1). Last evaluated 2026-04-14.

Conditions:
Tuberous sclerosis 1 (TSC1). Identifiers: Orphanet 805, MedGen C1854465, MONDO:0008612, OMIM 191100.
Hereditary cancer-predisposing syndrome. Also called: Hereditary Cancer Syndrome; Hereditary neoplastic syndrome; Neoplastic Syndromes, Hereditary; Tumor predisposition. Identifiers: Orphanet 140162, MedGen C0027672, MeSH D009386, MONDO:0015356.

Submissions (2):

Ambry Genetics
Classification: Likely benign for Hereditary cancer-predisposing syndrome. Last evaluated: 2026-04-14. Review status: criteria provided, single submitter. Criteria: Ambry Variant Classification Scheme 2023. Collection method: clinical testing. Allele origin: germline.

Labcorp Genetics (formerly Invitae), Labcorp
Classification: Uncertain significance for Tuberous sclerosis 1. Last evaluated: 2024-06-14. Review status: criteria provided, single submitter. Criteria: Invitae Variant Classification Sherloc (09022015). Collection method: clinical testing. Allele origin: germline.
Comment: This sequence change replaces asparagine, which is neutral and polar, with serine, which is neutral and polar, at codon 868 of the TSC1 protein (p.Asn868Ser). This variant is not present in population databases (gnomAD no frequency). This variant has not been reported in the literature in individuals affected with TSC1-related conditions. Advanced modeling of protein sequence and biophysical properties (such as structural, functional, and spatial information, amino acid conservation, physicochemical variation, residue mobility, and thermodynamic stability) performed at Invitae indicates that this missense variant is not expected to disrupt TSC1 protein function with a negative predictive value of 95%. In summary, the available evidence is currently insufficient to determine the role of this variant in disease. Therefore, it has been classified as a Variant of Uncertain Significance.

NM_000368.5(TSC1):c.2603A>G (p.Asn868Ser)

Gene: TSC1 (TSC complex subunit 1; minus strand). Cytogenetic location: 9q34.13.
Variant type: single nucleotide variant.
Coding change: c.2603A>G on transcript NM_000368.5 (MANE Select); coding-DNA position 2603, A replaced by G.
Protein change: p.Asn868Ser; replaces asparagine 868 with serine.
Molecular consequence: missense variant. On other transcripts: non-coding transcript variant (5).
Genome position (GRCh38, 1-based): chr9:132,900,737, T>C on the plus strand (A>G on the coding strand, the complement: TSC1 is on the minus strand). VCF-style: chr9-132900737-T-C. GRCh37 (hg19) VCF-style: chr9-135776124-T-C.
Other names: c.2585A>G, p.Asn862Ser (NM_001406603.1, NM_001406604.1); c.2561A>G, p.Asn854Ser (NM_001406605.1, NM_001406606.1, NM_001406607.1); c.2558A>G, p.Asn853Ser (NM_001406608.1, NM_001406609.1); c.2450A>G, p.Asn817Ser (NM_001406610.1, NM_001162427.2); c.2447A>G, p.Asn816Ser (NM_001406611.1, NM_001406612.1); c.2600A>G, p.Asn867Ser (NM_001162426.2, NM_001406597.1, NM_001406598.1 and 2 more transcripts); c.2240A>G, p.Asn747Ser (NM_001362177.2, NM_001406614.1, NM_001406615.1 and 4 more transcripts); c.2603A>G, p.Asn868Ser (NM_001406592.1, NM_001406593.1, NM_001406594.1 and 2 more transcripts); and 8 more; short protein forms N551S, N733S, N862S, N732S, N854S, N863S, N550S, N747S.
Identifiers: ClinVar variation 3708553 (VCV003708553.4).
Genomic context (GRCh38, chr9:132,900,737, plus strand): 5'-TTTCCCCACTAAGGTCTGGCTCCCGAGCCCTGGCATACCTTTGTGGTATCTGAGTGCTTG[T>C]TCTGCAGTTGTTCCAAATAGAGCTCGTTGACCTCCCCAAGAACCAACAGCTGCCTGTTCA-3'
Protein context (NP_000359.1, residues 858-878): VNELYLEQLQ[Asn868Ser]KHSDTTKEVE